The following is an entry in ClinVar:

NM_000492.4(CFTR):c.2909-11_2909-5del

Genes: CFTR (CF transmembrane conductance regulator; plus strand), CFTR-AS2 (CFTR antisense RNA 2; minus strand). Cytogenetic location: 7q31.2.
Variant type: Deletion.
Coding change: c.2909-11_2909-5del on transcript NM_000492.4 (MANE Select); 11 bases into the intron before coding-DNA position 2909 through 5 bases into the intron before coding-DNA position 2909, 7 bases deleted (GTATATT; older notation c.2909-11_2909-5delGTATATT).
Molecular consequence: intron variant.
Genome position (GRCh38, 1-based): chr7:117,606,663-117,606,669, GTATATT deleted; deleting any 7 consecutive bases within chr7:117,606,661-117,606,669 gives the same sequence; the c. name uses the placement nearest the transcript's 3' end. VCF-style (leftmost placement, unchanged base first): chr7-117606660-CTTGTATA-C. GRCh37 (hg19) VCF-style: chr7-117246714-CTTGTATA-C.
Other names: c.2909-11_2909-5delGTATATT (NM_000492.3).
Identifiers: ClinVar variation 3266621 (VCV003266621.1), dbSNP rs397508454.

ClinVar aggregate classification (germline): Uncertain significance (1 of 4 stars; one submission).

Conditions:
Cystic fibrosis (CF). Also called: MUCOVISCIDOSIS. Identifiers: Orphanet 586, MedGen C0010674, MONDO:0009061, OMIM 219700. Disease mechanism: loss of function.

Submission:

Ambry Genetics
Classification: Uncertain significance for Cystic fibrosis. Last evaluated: 2024-04-03. Review status: criteria provided, single submitter. Criteria: Ambry Variant Classification Scheme 2023. Collection method: clinical testing. Allele origin: germline.
Comment: The c.2909-11_2909-5delGTATATT intronic variant, located in intron 17 of the CFTR gene, results from a deletion of 7 nucleotides within intron 17 of the CFTR gene. This nucleotide region is generally well conserved in available vertebrate species. In silico splice site analysis predicts that this alteration may weaken the native splice acceptor site. Based on the available evidence, the clinical significance of this variant remains unclear.